The following is an entry in ClinVar:

ClinVar aggregate classification (germline): Uncertain significance (1 of 4 stars; one submission).

Submission:

Ambry Genetics
Classification: Uncertain significance. Last evaluated: 2024-04-17. Review status: criteria provided, single submitter. Criteria: Ambry Variant Classification Scheme 2023. Collection method: clinical testing. Allele origin: germline.
Comment: The p.G634R variant (also known as c.1900G>C), located in coding exon 1 of the MLH3 gene, results from a G to C substitution at nucleotide position 1900. The glycine at codon 634 is replaced by arginine, an amino acid with dissimilar properties. This amino acid position is conserved. In addition, this alteration is predicted to be tolerated by in silico analysis. Based on the available evidence, the clinical significance of this variant remains unclear.

NM_001040108.2(MLH3):c.1900G>C (p.Gly634Arg)

Gene: MLH3 (mutL homolog 3; minus strand). Cytogenetic location: 14q24.3.
Variant type: single nucleotide variant.
Coding change: c.1900G>C on transcript NM_001040108.2 (MANE Select); coding-DNA position 1900, G replaced by C.
Protein change: p.Gly634Arg; replaces glycine 634 with arginine.
Molecular consequence: missense variant.
Genome position (GRCh38, 1-based): chr14:75,047,756, C>G on the plus strand (G>C on the coding strand, the complement: MLH3 is on the minus strand). VCF-style: chr14-75047756-C-G. GRCh37 (hg19) VCF-style: chr14-75514459-C-G.
Other names: c.1900G>C, p.Gly634Arg (NM_014381.3); short protein forms G634R.
Identifiers: ClinVar variation 3295108 (VCV003295108.1).